The following is an entry in ClinVar:

NM_144670.6(A2ML1):c.1476+8C>T

Gene: A2ML1 (alpha-2-macroglobulin like 1; plus strand). Cytogenetic location: 12p13.31.
Variant type: single nucleotide variant.
Coding change: c.1476+8C>T on transcript NM_144670.6 (MANE Select); 8 bases into the intron after coding-DNA position 1476, C replaced by T.
Molecular consequence: intron variant.
Genome position (GRCh38, 1-based): chr12:8,843,369, C>T. VCF-style: chr12-8843369-C-T. GRCh37 (hg19) VCF-style: chr12-8995965-C-T.
Identifiers: ClinVar variation 241885 (VCV000241885.15), dbSNP rs75676135, ClinGen allele CA6435664.
Genomic context (GRCh38, chr12:8,843,369, plus strand): 5'-ACATCGACCCGGCCGATGCAAGCCCTGACCAAGAGATCAGCTTCTCCTACTATGTGAGAC[C>T]GGGAAACGGGGACGGGTGAGAGTATGCTGGGAAGGAAAGAGAATGAGAAGAGTCAGCCAG-3'

ClinVar aggregate classification (germline): Benign/Likely benign. Review status: criteria provided, multiple submitters, no conflicts (2 of 4 stars). 5 submissions from 5 submitters: Benign (4); Likely benign (1). Last evaluated 2026-02-02.

Conditions:
Otitis media, susceptibility to (OMS). Also called: COME/ROM; OTITIS MEDIA, CHRONIC/RECURRENT. Identifiers: MedGen C1833692, MONDO:0008162, OMIM 166760.

Allele frequency attached by ClinVar (database versions not stated): TOPMed 0.00909; ESP Exome Variant Server 0.00979; 1000 Genomes Project 0.01218; 1000 Genomes Project 30x 0.01234.
gnomAD v4.1: 2,695 of 1,611,080 alleles (0.17%); highest among the groups gnomAD compares: African/African-American, 3.1%; 41 homozygotes.

Submissions (5):

Labcorp Genetics (formerly Invitae), Labcorp
Classification: Benign. Last evaluated: 2026-02-02. Review status: criteria provided, single submitter. Criteria: Invitae Variant Classification Sherloc (09022015). Collection method: clinical testing. Allele origin: germline.

Fulgent Genetics
Classification: Likely benign for Otitis media, susceptibility to. Last evaluated: 2022-01-13. Review status: criteria provided, single submitter. Criteria: ACMG Guidelines, 2015. Collection method: clinical testing. Allele origin: unknown.

Women's Health and Genetics/Laboratory Corporation of America, LabCorp
Classification: Benign. Last evaluated: 2019-08-26. Review status: criteria provided, single submitter. Criteria: LabCorp Variant Classification Summary - May 2015. Collection method: clinical testing. Allele origin: germline.
Comment: Variant summary: A2ML1 c.1476+8C>T alters a nucleotide located close to a canonical splice site and therefore could affect mRNA splicing, leading to a significantly altered protein sequence. 5/5 computational tools predict no significant impact on normal splicing. However, these predictions have yet to be confirmed by functional studies. The variant allele was found at a frequency of 0.0023 in 248584 control chromosomes in the gnomAD database, including 8 homozygotes. The observed variant frequency is approximately 573 fold of the estimated maximal expected allele frequency for a pathogenic variant in A2ML1 causing Noonan Syndrome phenotype (4e-06), strongly suggesting that the variant is benign. To our knowledge, no occurrence of c.1476+8C>T in individuals affected with Noonan Syndrome and no experimental evidence demonstrating its impact on protein function have been reported. Two clinical diagnostic laboratories have submitted clinical-significance assessments for this variant to ClinVar after 2014 without evidence for independent evaluation and classified the variant as benign. Based on the evidence outlined above, the variant was classified as benign.

GeneDx
Classification: Benign. Last evaluated: 2017-03-03. Review status: criteria provided, single submitter. Criteria: GeneDx Variant Classification (06012015). Collection method: clinical testing. Allele origin: germline. Affected: yes.
Comment: This variant is considered likely benign or benign based on one or more of the following criteria: it is a conservative change, it occurs at a poorly conserved position in the protein, it is predicted to be benign by multiple in silico algorithms, and/or has population frequency not consistent with disease.

Breakthrough Genomics
Classification: Benign. Review status: criteria provided, single submitter. Criteria: ACMG Guidelines, 2015. Collection method: not provided. Allele origin: germline. Inheritance: Autosomal dominant inheritance. Affected: yes.